The following is an entry in ClinVar:

NM_006231.4(POLE):c.3156G>C (p.Thr1052=)

Gene: POLE (DNA polymerase epsilon, catalytic subunit; minus strand). Cytogenetic location: 12q24.33.
Variant type: single nucleotide variant.
Coding change: c.3156G>C on transcript NM_006231.4 (MANE Select); coding-DNA position 3156, G replaced by C.
Protein change: p.Thr1052=; no amino-acid change (threonine 1052 retained).
Molecular consequence: synonymous variant.
Genome position (GRCh38, 1-based): chr12:132,659,414, C>G on the plus strand (G>C on the coding strand, the complement: POLE is on the minus strand). VCF-style: chr12-132659414-C-G. GRCh37 (hg19) VCF-style: chr12-133236000-C-G.
Identifiers: ClinVar variation 4536647 (VCV004536647.1).
Genomic context (GRCh38, chr12:132,659,414, plus strand): 5'-TGCATCCTTGACCATCTGGTCTCCCAGGAACTCGGCCAGGCGCTTTGCTGTGCTGATGGA[C>G]GTAGACTTCTGCTCCCCGTAATCTTCCAGCTTCCGAGACATGGAACGGTTCTCAGAGATG-3'
Protein context (NP_006222.2, residues 1042-1062): KLEDYGEQKS[Thr1052=]SISTAKRLAE

ClinVar aggregate classification (germline): Likely benign (1 of 4 stars; one submission).

Submission:

Women's Health and Genetics/Laboratory Corporation of America, LabCorp
Classification: Likely benign. Last evaluated: 2025-11-17. Review status: criteria provided, single submitter. Criteria: LabCorp Variant Classification Summary - May 2015. Collection method: clinical testing. Allele origin: germline.
Comment: Variant summary: POLE c.3156G>C alters a conserved nucleotide resulting in a synonymous change. Consensus agreement among computation tools predict no significant impact on normal splicing. However, these predictions have yet to be confirmed by functional studies. The variant was absent in 251400 control chromosomes. The available data on variant occurrences in the general population are insufficient to allow any conclusion about variant significance. To our knowledge, no occurrence of c.3156G>C in individuals affected with POLE-related conditions and no experimental evidence demonstrating its impact on protein function have been reported. No submitters have cited clinical-significance assessments for this variant to ClinVar. Based on the evidence outlined above, the variant was classified as likely benign.